The following is an entry in ClinVar:

ClinVar aggregate classification (germline): Pathogenic (1 of 4 stars; one submission).

Conditions:
Hereditary cancer-predisposing syndrome. Also called: Neoplastic Syndromes, Hereditary; Tumor predisposition; Hereditary Cancer Syndrome; Hereditary neoplastic syndrome. Identifiers: Orphanet 140162, MedGen C0027672, MeSH D009386, MONDO:0015356.

Submission:

Ambry Genetics
Classification: Pathogenic for Hereditary cancer-predisposing syndrome. Last evaluated: 2020-10-28. Review status: criteria provided, single submitter. Criteria: Ambry Variant Classification Scheme 2023. Collection method: clinical testing. Allele origin: germline.
Comment: The c.1127_1139del13insGCCCT pathogenic mutation, located in coding exon 12 of the MUTYH gene, results from the deletion of 13 nucleotides and insertion of 5 nucleotides causing a translational frameshift with a predicted alternate stop codon (p.V376Gfs*153). This alteration is expected to result in loss of function by premature protein truncation or nonsense-mediated mRNA decay. As such, this alteration is interpreted as a disease-causing mutation.

NM_001048174.2(MUTYH):c.1043_1055delinsGCCCT (p.Val348fs)

Gene: MUTYH (mutY DNA glycosylase; minus strand). Cytogenetic location: 1p34.1.
Variant type: Indel.
Coding change: c.1043_1055delinsGCCCT on transcript NM_001048174.2 (MANE Select); coding-DNA positions 1043 to 1055, TTCTGGAACAGCC replaced by GCCCT.
Protein change: p.Val348fs; shifts the reading frame from valine 348.
Molecular consequence: frameshift variant. On other transcripts: non-coding transcript variant (2).
Genome position (GRCh38, 1-based): chr1:45,331,708-45,331,720, GGCTGTTCCAGAA replaced by AGGGC on the plus strand (TTCTGGAACAGCC replaced by GCCCT on the coding strand, the reverse complement: MUTYH is on the minus strand). VCF-style: chr1-45331708-GGCTGTTCCAGAA-AGGGC. GRCh37 (hg19) VCF-style: chr1-45797380-GGCTGTTCCAGAA-AGGGC.
Other names: c.1043_1055delinsGCCCT, p.Val348fs (NM_001048171.2, NM_001048173.2, NM_001293195.2); c.1046_1058delinsGCCCT, p.Val349fs (NM_001048172.2); c.1127_1139delinsGCCCT, p.Val376fs (NM_001128425.2); c.1088_1100delinsGCCCT, p.Val363fs (NM_001293190.2); c.1076_1088delinsGCCCT, p.Val359fs (NM_001293191.2); c.767_779delinsGCCCT, p.Val256fs (NM_001293192.2, NM_001293196.2); c.698_710delinsGCCCT, p.Val233fs (NM_001350650.2, NM_001350651.2); c.1076_1088delTTCTGGAACAGCCinsGCCCT, p.Val359Glyfs (NM_001407069.1, NM_001407077.1); and 11 more; short protein forms V233fs, V376fs, V348fs, V349fs, V359fs, V373fs, V256fs, V363fs.
Identifiers: ClinVar variation 1799274 (VCV001799274.2), dbSNP rs2523996953, ClinGen allele CA2580063020.